The following is an entry in ClinVar:

ClinVar aggregate classification (germline): Conflicting classifications of pathogenicity. Review status: criteria provided, conflicting classifications (1 of 4 stars). 2 submissions from 2 submitters: Uncertain significance (1); Likely benign (1). Last evaluated 2026-07-15.

Conditions:
Hereditary cancer-predisposing syndrome. Also called: Tumor predisposition; Hereditary Cancer Syndrome; Hereditary neoplastic syndrome; Neoplastic Syndromes, Hereditary. Identifiers: Orphanet 140162, MedGen C0027672, MeSH D009386, MONDO:0015356.
Renal cell carcinoma. Identifiers: Orphanet 217071, MedGen C0007134, MeSH D002292, MONDO:0005086, HP:0005584.

Submissions (2):

Ambry Genetics
Classification: Likely benign for Hereditary cancer-predisposing syndrome. Last evaluated: 2026-07-15. Review status: criteria provided, single submitter. Criteria: Ambry Variant Classification Scheme 2023. Collection method: clinical testing. Allele origin: germline.

Labcorp Genetics (formerly Invitae), Labcorp
Classification: Uncertain significance for Renal cell carcinoma. Last evaluated: 2020-05-25. Review status: criteria provided, single submitter. Criteria: Invitae Variant Classification Sherloc (09022015). Collection method: clinical testing. Allele origin: germline.
Comment: This sequence change replaces glutamine with histidine at codon 129 of the MET protein (p.Gln129His). The glutamine residue is moderately conserved and there is a small physicochemical difference between glutamine and histidine. In summary, the available evidence is currently insufficient to determine the role of this variant in disease. Therefore, it has been classified as a Variant of Uncertain Significance. Algorithms developed to predict the effect of missense changes on protein structure and function are either unavailable or do not agree on the potential impact of this missense change (SIFT: "Tolerated"; PolyPhen-2: "Probably Damaging"; Align-GVGD: "Class C0"). This variant has not been reported in the literature in individuals with MET-related conditions. This variant is not present in population databases (ExAC no frequency).

NM_000245.4(MET):c.387A>T (p.Gln129His)

Gene: MET (MET proto-oncogene, receptor tyrosine kinase; plus strand). Cytogenetic location: 7q31.2.
Variant type: single nucleotide variant.
Coding change: c.387A>T on transcript NM_000245.4 (MANE Select); coding-DNA position 387, A replaced by T.
Protein change: p.Gln129His; replaces glutamine 129 with histidine.
Molecular consequence: missense variant. On other transcripts: intron variant (1).
Genome position (GRCh38, 1-based): chr7:116,699,471, A>T. VCF-style: chr7-116699471-A-T. GRCh37 (hg19) VCF-style: chr7-116339525-A-T.
Other names: c.387A>T (NM_001127500.1); c.387A>T, p.Gln129His (NM_001127500.3, NM_001324401.3); c.-91+26894A>T (NM_001324402.2); short protein forms Q129H.
Identifiers: ClinVar variation 1020037 (VCV001020037.9), dbSNP rs1791478119, ClinGen allele CA368968967.
Genomic context (GRCh38, chr7:116,699,471, plus strand): 5'-AGGTGTTTGGAAAGATAACATCAACATGGCTCTAGTTGTCGACACCTACTATGATGATCA[A>T]CTCATTAGCTGTGGCAGCGTCAACAGAGGGACCTGCCAGCGACATGTCTTTCCCCACAAT-3'
Protein context (NP_000236.2, residues 119-139): ALVVDTYYDD[Gln129His]LISCGSVNRG